The following is an entry in ClinVar:

ClinVar aggregate classification (germline): Uncertain significance (1 of 4 stars; one submission).

Submission:

CeGaT Center for Human Genetics Tuebingen
Classification: Uncertain significance. Last evaluated: 2025-07-01. Review status: criteria provided, single submitter. Criteria: CeGaT Center For Human Genetics Tuebingen Variant Classification Criteria Version 2. Collection method: clinical testing. Allele origin: germline. Affected: yes. Observed: 1 variant allele.
Comment: IRF2BPL: PM2

NM_024496.4(IRF2BPL):c.821C>T (p.Pro274Leu)

Gene: IRF2BPL (interferon regulatory factor 2 binding protein like; minus strand). Cytogenetic location: 14q24.3.
Variant type: single nucleotide variant.
Coding change: c.821C>T on transcript NM_024496.4 (MANE Select); coding-DNA position 821, C replaced by T.
Protein change: p.Pro274Leu; replaces proline 274 with leucine.
Molecular consequence: missense variant.
Genome position (GRCh38, 1-based): chr14:77,026,972, G>A on the plus strand (C>T on the coding strand, the complement: IRF2BPL is on the minus strand). VCF-style: chr14-77026972-G-A. GRCh37 (hg19) VCF-style: chr14-77493315-G-A.
Other names: short protein forms P274L.
Identifiers: ClinVar variation 4085437 (VCV004085437.8).